The following is an entry in ClinVar:

NM_001184.4(ATR):c.2797A>G (p.Ile933Val)

Gene: ATR (ATR checkpoint kinase; minus strand). Cytogenetic location: 3q23.
Variant type: single nucleotide variant.
Coding change: c.2797A>G on transcript NM_001184.4 (MANE Select); coding-DNA position 2797, A replaced by G.
Protein change: p.Ile933Val; replaces isoleucine 933 with valine.
Molecular consequence: missense variant.
Genome position (GRCh38, 1-based): chr3:142,553,235, T>C on the plus strand (A>G on the coding strand, the complement: ATR is on the minus strand). VCF-style: chr3-142553235-T-C. GRCh37 (hg19) VCF-style: chr3-142272077-T-C.
Other names: c.2605A>G, p.Ile869Val (NM_001354579.2); short protein forms I869V, I933V.
Identifiers: ClinVar variation 1796100 (VCV001796100.5), dbSNP rs1232662719, ClinGen allele CA354814138.
Genomic context (GRCh38, chr3:142,553,235, plus strand): 5'-CTCTTAAAAAGTACTGCTGTTGCCTATAGTCCAGACAAACGCTGACTCTTACCTGACAGA[T>C]GGGTTTCTTATACTGGCTGAAAAAACTTTGCAGTTTAACACTTTTAGCTGCAACCAGAGC-3'
Protein context (NP_001175.2, residues 923-943): QSFFSQYKKP[Ile933Val]CQFLVESLHS

ClinVar aggregate classification (germline): Uncertain significance. Review status: criteria provided, multiple submitters, no conflicts (2 of 4 stars). 2 submissions from 2 submitters: Uncertain significance (2). Last evaluated 2023-06-25.

Conditions:
Inborn genetic diseases. Identifiers: MedGen C0950123, MeSH D030342.

Allele frequency attached by ClinVar (database versions not stated): TOPMed below 0.00001.

Submissions (2):

Labcorp Genetics (formerly Invitae), Labcorp
Classification: Uncertain significance. Last evaluated: 2023-06-25. Review status: criteria provided, single submitter. Criteria: Invitae Variant Classification Sherloc (09022015). Collection method: clinical testing. Allele origin: germline.
Comment: In summary, the available evidence is currently insufficient to determine the role of this variant in disease. Therefore, it has been classified as a Variant of Uncertain Significance. An algorithm developed to predict the effect of missense changes on protein structure and function (PolyPhen-2) suggests that this variant is likely to be disruptive. ClinVar contains an entry for this variant (Variation ID: 1796100). This variant has not been reported in the literature in individuals affected with ATR-related conditions. This variant is not present in population databases (gnomAD no frequency). This sequence change replaces isoleucine, which is neutral and non-polar, with valine, which is neutral and non-polar, at codon 933 of the ATR protein (p.Ile933Val).

Ambry Genetics
Classification: Uncertain significance for Inborn genetic diseases. Last evaluated: 2022-07-26. Review status: criteria provided, single submitter. Criteria: Ambry Variant Classification Scheme 2023. Collection method: clinical testing. Allele origin: germline.
Comment: The p.I933V variant (also known as c.2797A>G), located in coding exon 13 of the ATR gene, results from an A to G substitution at nucleotide position 2797. The isoleucine at codon 933 is replaced by valine, an amino acid with highly similar properties. This amino acid position is conserved. In addition, this alteration is predicted to be tolerated by in silico analysis. Since supporting evidence is limited at this time, the clinical significance of this alteration remains unclear.